The following is an entry in ClinVar:

ClinVar aggregate classification (germline): Uncertain significance (1 of 4 stars; one submission).

Submission:

Labcorp Genetics (formerly Invitae), Labcorp
Classification: Uncertain significance. Last evaluated: 2025-08-07. Review status: criteria provided, single submitter. Criteria: Invitae Variant Classification Sherloc (09022015). Collection method: clinical testing. Allele origin: germline.
Comment: This variant, c.593_601del, results in the deletion of 3 amino acid(s) of the TUFM protein (p.Val198_Leu200del), but otherwise preserves the integrity of the reading frame. This variant is present in population databases (rs774706257, gnomAD 0.006%). This variant has not been reported in the literature in individuals affected with TUFM-related conditions. Experimental studies and prediction algorithms are not available or were not evaluated, and the functional significance of this variant is currently unknown. In summary, the available evidence is currently insufficient to determine the role of this variant in disease. Therefore, it has been classified as a Variant of Uncertain Significance.

NM_003321.5(TUFM):c.584TGGAACTGG[1] (p.195VEL[1])

Gene: TUFM (Tu translation elongation factor, mitochondrial; minus strand). Cytogenetic location: 16p11.2.
Variant type: Microsatellite.
Coding change: c.584TGGAACTGG[1] on transcript NM_003321.5 (MANE Select); one copy of the 9-base unit TGGAACTGG starting at c.584; the reference has two copies in a row; one copy, 9 bases deleted.
Protein change: p.195VEL[1].
Molecular consequence: inframe deletion.
Genome position (GRCh38, 1-based): chr16:28,844,781-28,844,789, CCAGTTCCA deleted on the plus strand (TGGAACTGG on the coding strand, the reverse complement: TUFM is on the minus strand); deleting any 9 consecutive bases within chr16:28,844,781-28,844,801 gives the same sequence; the position shown is the placement nearest the transcript's 3' end. VCF-style (leftmost placement, unchanged base first): chr16-28844780-TCCAGTTCCA-T. GRCh37 (hg19) VCF-style: chr16-28856101-TCCAGTTCCA-T.
Other names: c.584TGGAACTGG[1], p.195VEL[1] (NM_001365360.2).
Identifiers: ClinVar variation 4747629 (VCV004747629.1).
Genomic context (GRCh38, chr16:28,844,780, plus strand): 5'-CCTACGATGACTGGGGTCTCCTCCCCTTTATAGCCAAACTCGGTGAGCAGCTCCCGGATC[TCCAGTTCCA>T]CCAGTTCCACCATCTCAGAGTCCTGGACAGCGTCAGCCTTGTTCACATACACCACCACAT-3'